The following is an entry in ClinVar:

NM_005359.6(SMAD4):c.478G>A (p.Asp160Asn)

Gene: SMAD4 (SMAD family member 4; plus strand). Cytogenetic location: 18q21.2.
Variant type: single nucleotide variant.
Coding change: c.478G>A on transcript NM_005359.6 (MANE Select); coding-DNA position 478, G replaced by A.
Protein change: p.Asp160Asn; replaces aspartic acid 160 with asparagine.
Molecular consequence: missense variant.
Genome position (GRCh38, 1-based): chr18:51,054,804, G>A. VCF-style: chr18-51054804-G-A. GRCh37 (hg19) VCF-style: chr18-48581174-G-A.
Other names: short protein forms D160N.
Identifiers: ClinVar variation 646083 (VCV000646083.10), dbSNP rs1599186807, ClinGen allele CA402460627.

ClinVar aggregate classification (germline): Uncertain significance (1 of 4 stars; one submission).

Conditions:
Juvenile polyposis syndrome (JPS). Identifiers: Orphanet 2929, MedGen C0345893, MONDO:0017380, OMIM 174900.

Submission:

Labcorp Genetics (formerly Invitae), Labcorp
Classification: Uncertain significance for Juvenile polyposis syndrome. Last evaluated: 2018-08-15. Review status: criteria provided, single submitter. Criteria: Invitae Variant Classification Sherloc (09022015). Collection method: clinical testing. Allele origin: germline.
Comment: In summary, the available evidence is currently insufficient to determine the role of this variant in disease. Therefore, it has been classified as a Variant of Uncertain Significance. Algorithms developed to predict the effect of missense changes on protein structure and function (SIFT, PolyPhen-2, Align-GVGD) all suggest that this variant is likely to be tolerated, but these predictions have not been confirmed by published functional studies and their clinical significance is uncertain. This variant has not been reported in the literature in individuals with SMAD4-related disease. This variant is not present in population databases (ExAC no frequency). This sequence change replaces aspartic acid with asparagine at codon 160 of the SMAD4 protein (p.Asp160Asn). The aspartic acid residue is highly conserved and there is a small physicochemical difference between aspartic acid and asparagine.